The following is an entry in ClinVar:

NM_013275.6(ANKRD11):c.2678G>A (p.Arg893Gln)

Gene: ANKRD11 (ankyrin repeat domain 11; minus strand). Cytogenetic location: 16q24.3.
Variant type: single nucleotide variant.
Coding change: c.2678G>A on transcript NM_013275.6 (MANE Select); coding-DNA position 2678, G replaced by A.
Protein change: p.Arg893Gln; replaces arginine 893 with glutamine.
Molecular consequence: missense variant.
Genome position (GRCh38, 1-based): chr16:89,283,864, C>T on the plus strand (G>A on the coding strand, the complement: ANKRD11 is on the minus strand). VCF-style: chr16-89283864-C-T. GRCh37 (hg19) VCF-style: chr16-89350272-C-T.
Other names: c.2678G>A, p.Arg893Gln (NM_001256182.2, NM_001256183.2); short protein forms R893Q.
Identifiers: ClinVar variation 1219213 (VCV001219213.6), dbSNP rs1298734986, ClinGen allele CA397161721.

ClinVar aggregate classification (germline): Conflicting classifications of pathogenicity. Review status: criteria provided, conflicting classifications (1 of 4 stars). 2 submissions from 2 submitters: Uncertain significance (1); Likely benign (1). Last evaluated 2024-05-21.

Conditions:
KBG syndrome (KBGS). Also called: ANKRD11-Related KBG Syndrome. Identifiers: Orphanet 2332, MedGen C0220687, MONDO:0007846, OMIM 148050.

Allele frequency attached by ClinVar (database versions not stated): gnomAD exomes 0.00002.
gnomAD v4.1: 27 of 1,613,938 alleles (0.0017%); highest among the groups gnomAD compares: East Asian, 0.0022%; no homozygotes.

Submissions (2):

Labcorp Genetics (formerly Invitae), Labcorp
Classification: Uncertain significance for KBG syndrome. Last evaluated: 2024-05-21. Review status: criteria provided, single submitter. Criteria: Invitae Variant Classification Sherloc (09022015). Collection method: clinical testing. Allele origin: germline.
Comment: This sequence change replaces arginine, which is basic and polar, with glutamine, which is neutral and polar, at codon 893 of the ANKRD11 protein (p.Arg893Gln). This variant is present in population databases (no rsID available, gnomAD 0.005%). This variant has not been reported in the literature in individuals affected with ANKRD11-related conditions. ClinVar contains an entry for this variant (Variation ID: 1219213). Advanced modeling of protein sequence and biophysical properties (such as structural, functional, and spatial information, amino acid conservation, physicochemical variation, residue mobility, and thermodynamic stability) performed at Invitae indicates that this missense variant is not expected to disrupt ANKRD11 protein function with a negative predictive value of 95%. In summary, the available evidence is currently insufficient to determine the role of this variant in disease. Therefore, it has been classified as a Variant of Uncertain Significance.

GeneDx
Classification: Likely benign. Last evaluated: 2020-01-27. Review status: criteria provided, single submitter. Criteria: GeneDx Variant Classification Process June 2021. Collection method: clinical testing. Allele origin: germline. Affected: yes.